The following is an entry in ClinVar:

NM_001267550.2(TTN):c.39380-1G>C

Gene: TTN (titin; minus strand). Cytogenetic location: 2q31.2.
Variant type: single nucleotide variant.
Coding change: c.39380-1G>C on transcript NM_001267550.2 (MANE Select); the canonical splice acceptor site of the intron before coding-DNA position 39380, G replaced by C.
Molecular consequence: splice acceptor variant. On other transcripts: intron variant (3).
Genome position (GRCh38, 1-based): chr2:178,651,750, C>G on the plus strand (G>C on the coding strand, the complement: TTN is on the minus strand). VCF-style: chr2-178651750-C-G. GRCh37 (hg19) VCF-style: chr2-179516477-C-G.
Other names: c.13283-9433G>C (NM_003319.4); c.13859-9433G>C (NM_133437.4); c.13658-9433G>C (NM_133432.3); c.32078-1G>C (NM_133378.4); c.34859-1G>C (NM_001256850.1).
Identifiers: ClinVar variation 954756 (VCV000954756.10), dbSNP rs2063018968, ClinGen allele CA349457225.
Genomic context (GRCh38, chr2:178,651,750, plus strand): 5'-TTTTGGCAACGACAGCAGGTGCTTTCTTTTCTGGGACAGGTTTCTTAGGTGGTACGGTCA[C>G]TAAAGAATTAGAAGGTATGTTTTAGAAAGAACGAAGATTGAGAAACAAGACAAAAGCTCA-3'

ClinVar aggregate classification (germline): Likely pathogenic (1 of 4 stars; one submission).

Conditions:
Dilated cardiomyopathy 1G (CMD1G). Identifiers: Orphanet 154, MedGen C1858763, MONDO:0011400, OMIM 604145.
Autosomal recessive limb-girdle muscular dystrophy type 2J (LGMDR10). Also called: Limb-girdle muscular dystrophy, type 2J; MUSCULAR DYSTROPHY, LIMB-GIRDLE, AUTOSOMAL RECESSIVE 10. Identifiers: Orphanet 140922, MedGen C1837342, MONDO:0012127, OMIM 608807.

Submission:

Labcorp Genetics (formerly Invitae), Labcorp
Classification: Likely pathogenic for Dilated cardiomyopathy 1G; Autosomal recessive limb-girdle muscular dystrophy type 2J. Last evaluated: 2024-10-18. Review status: criteria provided, single submitter. Criteria: Invitae Variant Classification Sherloc (09022015). Collection method: clinical testing. Allele origin: germline.
Comment: This sequence change affects an acceptor splice site in intron 205 of the TTN gene. It is expected to disrupt RNA splicing and likely results in a truncated or disrupted TTN protein. This variant is not present in population databases (gnomAD no frequency). This variant has not been reported in the literature in individuals affected with TTN-related conditions. ClinVar contains an entry for this variant (Variation ID: 954756). Algorithms developed to predict the effect of sequence changes on RNA splicing suggest that this variant may disrupt the consensus splice site. This variant is located in the I band of TTN (PMID: 25589632). Truncating variants in this region have been reported in individuals affected with autosomal recessive centronuclear myopathy (PMID: 23975875, internal data). Truncating variants in this region have also been identified in individuals affected with autosomal dominant dilated cardiomyopathy and/or cardio-related conditions (PMID: 27869827, 32964742, internal data). In summary, the currently available evidence indicates that the variant is pathogenic, but additional data are needed to prove that conclusively. Therefore, this variant has been classified as Likely Pathogenic.

Literature cited by the submitters: PubMed 25589632; PubMed 23975875; PubMed 27869827; PubMed 32964742.